The following is an entry in ClinVar:

ClinVar aggregate classification (germline): Uncertain significance (1 of 4 stars; one submission).

gnomAD v4.1: 92 of 1,613,848 alleles (0.0057%); highest among the groups gnomAD compares: South Asian, 0.021%; no homozygotes.

Submission:

Labcorp Genetics (formerly Invitae), Labcorp
Classification: Uncertain significance. Last evaluated: 2024-08-17. Review status: criteria provided, single submitter. Criteria: Invitae Variant Classification Sherloc (09022015). Collection method: clinical testing. Allele origin: germline.
Comment: This sequence change replaces asparagine, which is neutral and polar, with lysine, which is basic and polar, at codon 77 of the RPL18 protein (p.Asn77Lys). This variant is present in population databases (rs371932309, gnomAD 0.02%). This variant has not been reported in the literature in individuals affected with RPL18-related conditions. An algorithm developed to predict the effect of missense changes on protein structure and function (PolyPhen-2) suggests that this variant is likely to be disruptive. In summary, the available evidence is currently insufficient to determine the role of this variant in disease. Therefore, it has been classified as a Variant of Uncertain Significance.

NM_000979.4(RPL18):c.231C>G (p.Asn77Lys)

Gene: RPL18 (ribosomal protein L18; minus strand). Cytogenetic location: 19q13.33.
Variant type: single nucleotide variant.
Coding change: c.231C>G on transcript NM_000979.4 (MANE Select); coding-DNA position 231, C replaced by G.
Protein change: p.Asn77Lys; replaces asparagine 77 with lysine.
Molecular consequence: missense variant. On other transcripts: non-coding transcript variant (1).
Genome position (GRCh38, 1-based): chr19:48,616,792, G>C on the plus strand (C>G on the coding strand, the complement: RPL18 is on the minus strand). VCF-style: chr19-48616792-G-C. GRCh37 (hg19) VCF-style: chr19-49120049-G-C.
Other names: c.144C>G, p.Asn48Lys (NM_001270490.2); short protein forms N48K, N77K.
Identifiers: ClinVar variation 3675284 (VCV003675284.2).